The following is an entry in ClinVar:

NM_018089.3(ANKZF1):c.1247A>G (p.Glu416Gly)

Gene: ANKZF1 (ankyrin repeat and zinc finger peptidyl tRNA hydrolase 1; plus strand). Cytogenetic location: 2q35.
Variant type: single nucleotide variant.
Coding change: c.1247A>G on transcript NM_018089.3 (MANE Select); coding-DNA position 1247, A replaced by G.
Protein change: p.Glu416Gly; replaces glutamic acid 416 with glycine.
Molecular consequence: missense variant.
Genome position (GRCh38, 1-based): chr2:219,234,868, A>G. VCF-style: chr2-219234868-A-G. GRCh37 (hg19) VCF-style: chr2-220099590-A-G.
Other names: c.1247A>G, p.Glu416Gly (NM_001042410.2); c.617A>G, p.Glu206Gly (NM_001282792.2); short protein forms E206G, E416G.
Identifiers: ClinVar variation 1379062 (VCV001379062.6), dbSNP rs765545483, ClinGen allele CA2121024.

ClinVar aggregate classification (germline): Uncertain significance (1 of 4 stars; one submission).

Allele frequency attached by ClinVar (database versions not stated): gnomAD exomes 0.00005 and 0.00003; gnomAD 0.00001; ExAC 0.00006.
gnomAD v4.1: 43 of 1,613,796 alleles (0.0027%); highest among the groups gnomAD compares: East Asian, 0.0022%; no homozygotes.

Submission:

Labcorp Genetics (formerly Invitae), Labcorp
Classification: Uncertain significance. Last evaluated: 2025-09-10. Review status: criteria provided, single submitter. Criteria: Invitae Variant Classification Sherloc (09022015). Collection method: clinical testing. Allele origin: germline.
Comment: This sequence change replaces glutamic acid, which is acidic and polar, with glycine, which is neutral and non-polar, at codon 416 of the ANKZF1 protein (p.Glu416Gly). This variant is present in population databases (rs765545483, gnomAD 0.05%). This variant has not been reported in the literature in individuals affected with ANKZF1-related conditions. ClinVar contains an entry for this variant (Variation ID: 1379062). An algorithm developed to predict the effect of missense changes on protein structure and function (PolyPhen-2) suggests that this variant is likely to be disruptive. Algorithms developed to predict the effect of sequence changes on RNA splicing suggest that this variant may disrupt the consensus splice site. In summary, the available evidence is currently insufficient to determine the role of this variant in disease. Therefore, it has been classified as a Variant of Uncertain Significance.